The following is an entry in ClinVar:

ClinVar aggregate classification (germline): Likely benign (0 of 4 stars; one submission).

Conditions:
BLK-related disorder. Also called: BLK-related condition.

Allele frequency attached by ClinVar (database versions not stated): ExAC 0.00004; ESP Exome Variant Server 0.00015; TOPMed 0.00015; gnomAD 0.00018.
gnomAD v4.1: 51 of 1,613,972 alleles (0.0032%); highest among the groups gnomAD compares: African/African-American, 0.033%; 1 homozygote.

Submission:

PreventionGenetics, part of Exact Sciences
Classification: Likely benign for BLK-related condition. Last evaluated: 2022-07-25. Review status: no assertion criteria provided. Collection method: clinical testing. Allele origin: germline.
Comment: This variant is classified as likely benign based on ACMG/AMP sequence variant interpretation guidelines (Richards et al. 2015 PMID: 25741868, with internal and published modifications).

NM_001715.3(BLK):c.546G>C (p.Leu182=)

Genes: BLK (BLK proto-oncogene, Src family tyrosine kinase), BLK-AS1 (BLK antisense RNA 1). Cytogenetic location: 8p23.1.
Variant type: single nucleotide variant.
Coding change: c.546G>C on transcript NM_001715.3 (MANE Select); coding-DNA position 546, G replaced by C.
Protein change: p.Leu182=; no amino-acid change (leucine 182 retained).
Molecular consequence: synonymous variant.
Genome position (GRCh38, 1-based): chr8:11,554,816, G>C. VCF-style: chr8-11554816-G-C. GRCh37 (hg19) VCF-style: chr8-11412325-G-C.
Other names: c.333G>C, p.Leu111= (NM_001330465.2).
Identifiers: ClinVar variation 3031724 (VCV003031724.2), dbSNP rs148152572, ClinGen allele CA4629946.
Genomic context (GRCh38, chr8:11,554,816, plus strand): 5'-GTCTGTGAAGGATGTCACCACCCAGGGGGAGCTGATCAAGCACTATAAGATCCGCTGCCT[G>C]GATGAAGGGGGCTACTACATCTCCCCCCGGATCACCTTCCCCTCGCTCCAGGCCCTGGTG-3'
Protein context (NP_001706.2, residues 172-192): ELIKHYKIRC[Leu182=]DEGGYYISPR